The following is an entry in ClinVar:

ClinVar aggregate classification (germline): Uncertain significance. Review status: criteria provided, multiple submitters, no conflicts (2 of 4 stars). 2 submissions from 2 submitters: Uncertain significance (2). Last evaluated 2025-06-10.

Conditions:
Inborn genetic diseases. Identifiers: MedGen C0950123, MeSH D030342.

Submissions (2):

Labcorp Genetics (formerly Invitae), Labcorp
Classification: Uncertain significance. Last evaluated: 2025-06-10. Review status: criteria provided, single submitter. Criteria: Invitae Variant Classification Sherloc (09022015). Collection method: clinical testing. Allele origin: germline.
Comment: This sequence change replaces isoleucine, which is neutral and non-polar, with asparagine, which is neutral and polar, at codon 12 of the TYRP1 protein (p.Ile12Asn). This variant is not present in population databases (gnomAD no frequency). This variant has not been reported in the literature in individuals affected with TYRP1-related conditions. ClinVar contains an entry for this variant (Variation ID: 3464816). Invitae Evidence Modeling of protein sequence and biophysical properties (such as structural, functional, and spatial information, amino acid conservation, physicochemical variation, residue mobility, and thermodynamic stability) indicates that this missense variant is not expected to disrupt TYRP1 protein function with a negative predictive value of 80%. Algorithms developed to predict the effect of sequence changes on RNA splicing suggest that this variant may create or strengthen a splice site. In summary, the available evidence is currently insufficient to determine the role of this variant in disease. Therefore, it has been classified as a Variant of Uncertain Significance.

Ambry Genetics
Classification: Uncertain significance for Inborn genetic diseases. Last evaluated: 2024-09-03. Review status: criteria provided, single submitter. Criteria: Ambry Variant Classification Scheme 2023. Collection method: clinical testing. Allele origin: germline.

NM_000550.3(TYRP1):c.35T>A (p.Ile12Asn)

Gene: TYRP1 (tyrosinase related protein 1; plus strand). Cytogenetic location: 9p23.
Variant type: single nucleotide variant.
Coding change: c.35T>A on transcript NM_000550.3 (MANE Select); coding-DNA position 35, T replaced by A.
Protein change: p.Ile12Asn; replaces isoleucine 12 with asparagine.
Molecular consequence: missense variant.
Genome position (GRCh38, 1-based): chr9:12,694,031, T>A. VCF-style: chr9-12694031-T-A. GRCh37 (hg19) VCF-style: chr9-12694031-T-A.
Other names: short protein forms I12N.
Identifiers: ClinVar variation 3464816 (VCV003464816.2).